The following is an entry in ClinVar:

ClinVar aggregate classification (germline): other (0 of 4 stars; one submission).

Conditions:
Familial colorectal cancer. Identifiers: MedGen CN280943, MONDO:0023113. Disease mechanism: loss of function.

Submission:

Systems Biology Platform Zhejiang California International NanoSystems Institute
Classification: other for Familial colorectal cancer. Review status: no assertion criteria provided. Collection method: not provided. Allele origin: unknown.
ClinVar note: Converted during submission from cancer to other.

NM_000038.6(APC):c.423-909A>C

Gene: APC (APC regulator of WNT signaling pathway; plus strand). Cytogenetic location: 5q22.2.
Variant type: single nucleotide variant.
Coding change: c.423-909A>C on transcript NM_000038.6 (MANE Select); 909 bases into the intron before coding-DNA position 423, A replaced by C.
Molecular consequence: intron variant.
Genome position (GRCh38, 1-based): chr5:112,774,720, A>C. VCF-style: chr5-112774720-A-C. GRCh37 (hg19) VCF-style: chr5-112110417-A-C.
Other names: c.423-909A>C (NM_001354895.2, NM_001127510.3, NM_001354896.2 and 2 more transcripts); c.453-909A>C (NM_001354897.2, NM_001354902.2, NM_001127511.3); c.348-909A>C (NM_001354898.2, NM_001354904.2); c.-613-909A>C (NM_001354906.2); c.246-909A>C (NM_001354900.2, NM_001354901.2, NM_001354905.2).
Identifiers: ClinVar variation 82423 (VCV000082423.2), dbSNP rs78509108, ClinGen allele CA009375.